The following is an entry in ClinVar:

ClinVar aggregate classification (germline): Uncertain significance (1 of 4 stars; one submission).

Allele frequency attached by ClinVar (database versions not stated): gnomAD exomes 0.00001.
gnomAD v4.1: 10 of 1,510,398 alleles (0.00066%); highest among the groups gnomAD compares: Non-Finnish European, 0.0009%; no homozygotes.

Submission:

Labcorp Genetics (formerly Invitae), Labcorp
Classification: Uncertain significance. Last evaluated: 2024-12-23. Review status: criteria provided, single submitter. Criteria: Invitae Variant Classification Sherloc (09022015). Collection method: clinical testing. Allele origin: germline.
Comment: This sequence change falls in intron 5 of the POC1B gene. It does not directly change the encoded amino acid sequence of the POC1B protein. It affects a nucleotide within the consensus splice site. This variant is not present in population databases (gnomAD no frequency). This variant has been observed in individual(s) with cone-rod dystrophy (PMID: 34065499, 36460718). ClinVar contains an entry for this variant (Variation ID: 1490167). Variants that disrupt the consensus splice site are a relatively common cause of aberrant splicing (PMID: 17576681, 9536098). Algorithms developed to predict the effect of sequence changes on RNA splicing suggest that this variant may disrupt the consensus splice site. In summary, the available evidence is currently insufficient to determine the role of this variant in disease. Therefore, it has been classified as a Variant of Uncertain Significance.

Literature cited by the submitters: PubMed 34065499; PubMed 36460718; PubMed 17576681; PubMed 9536098.

NM_172240.3(POC1B):c.561-3T>C

Genes: POC1B (POC1 centriolar protein B; minus strand), POC1B-DUSP6 (POC1B-DUSP6 readthrough; minus strand). Cytogenetic location: 12q21.33.
Variant type: single nucleotide variant.
Coding change: c.561-3T>C on transcript NM_172240.3 (MANE Select); 3 bases into the intron before coding-DNA position 561, T replaced by C.
Molecular consequence: intron variant.
Genome position (GRCh38, 1-based): chr12:89,471,732, A>G on the plus strand (T>C on the coding strand, the complement: POC1B is on the minus strand). VCF-style: chr12-89471732-A-G. GRCh37 (hg19) VCF-style: chr12-89865509-A-G.
Other names: c.435-3T>C (NM_001199777.2).
Identifiers: ClinVar variation 1490167 (VCV001490167.6), dbSNP rs1882905616, ClinGen allele CA2053554065.
Genomic context (GRCh38, chr12:89,471,732, plus strand): 5'-AGAACCTGCTGAAGCTATGCATGTACCACTAGGGTTAAAGTCCACAAAATTTGCAAATCT[A>G]GGAGGAAAGAATAAGATGACCTAATATTTCAATTTCTTTTTTTTTTTTTTTTGAGACGGA-3'